The following is an entry in ClinVar:

NM_000038.6(APC):c.3663_3665del (p.Ser1223del)

Gene: APC (APC regulator of Wnt signaling pathway; plus strand). Cytogenetic location: 5q22.2.
Variant type: Deletion.
Coding change: c.3663_3665del on transcript NM_000038.6 (MANE Select); coding-DNA positions 3663 to 3665, 3 bases deleted (TTC; older notation c.3663_3665delTTC).
Protein change: p.Ser1223del; deletes serine 1223.
Molecular consequence: inframe deletion. On other transcripts: inframe indel (20).
Genome position (GRCh38, 1-based): chr5:112,839,257-112,839,259, TTC deleted; deleting any 3 consecutive bases within chr5:112,839,256-112,839,259 gives the same sequence; the c. name uses the placement nearest the transcript's 3' end. VCF-style (leftmost placement, unchanged base first): chr5-112839255-CCTT-C. GRCh37 (hg19) VCF-style: chr5-112174952-CCTT-C.
Other names: c.3663_3665delTTC (NM_000038.5); c.3663_3665del, p.Ser1223del (NM_001127510.3, NM_001354895.2); c.3609_3611del, p.Ser1205del (NM_001127511.3); c.3717_3719del, p.Ser1241del (NM_001354896.2); c.3693_3695del, p.Ser1233del (NM_001354897.2); c.3588_3590del, p.Ser1198del (NM_001354898.2); c.3579_3581del, p.Ser1195del (NM_001354899.2); c.3540_3542del, p.Ser1182del (NM_001354900.2); and 17 more; short protein forms S1140del, S1164del, S1182del, S1195del, S1198del, S1213del, S1223del, S940del.
Identifiers: ClinVar variation 2178732 (VCV002178732.5), dbSNP rs2533515113, ClinGen allele CA2580072964.
Genomic context (GRCh38, chr5:112,839,255, plus strand): 5'-TCATCTGGACAAAGCAGTAAAACCGAACATATGTCTTCAAGCAGTGAGAATACGTCCACA[CCTT>C]CATCTAATGCCAAGAGGCAGAATCAGCTCCATCCAAGTTCTGCACAGAGTAGAAGTGGTC-3'

ClinVar aggregate classification (germline): Uncertain significance. Review status: criteria provided, multiple submitters, no conflicts (2 of 4 stars). 3 submissions from 3 submitters: Uncertain significance (3). Last evaluated 2025-09-22.

Conditions:
Hereditary cancer-predisposing syndrome. Also called: Tumor predisposition; Hereditary neoplastic syndrome; Neoplastic Syndromes, Hereditary; Hereditary Cancer Syndrome. Identifiers: Orphanet 140162, MedGen C0027672, MeSH D009386, MONDO:0015356.
Familial adenomatous polyposis 1 (FAP1). Also called: FAMILIAL ADENOMATOUS POLYPOSIS 1, ATTENUATED; POLYPOSIS, ADENOMATOUS INTESTINAL. Identifiers: MedGen C2713442, MONDO:0021056, OMIM 175100. Disease mechanism: loss of function.

Submissions (3):

Color Diagnostics, LLC DBA Color Health
Classification: Uncertain significance for Hereditary cancer-predisposing syndrome. Last evaluated: 2025-09-22. Review status: criteria provided, single submitter. Criteria: ACMG Guidelines, 2015. Collection method: clinical testing. Allele origin: germline.
Comment: This variant causes the deletion of a single amino acid at codon 1223 in the APC protein. To our knowledge, functional studies have not been reported for this variant. This variant has not been reported in individuals affected with APC-related disorders in the literature. This variant has not been identified in the general population by the Genome Aggregation Database (gnomAD). The available evidence is insufficient to determine the role of this variant in disease conclusively. Therefore, this variant is classified as a Variant of Uncertain Significance.

Labcorp Genetics (formerly Invitae), Labcorp
Classification: Uncertain significance for Familial adenomatous polyposis 1. Last evaluated: 2025-06-18. Review status: criteria provided, single submitter. Criteria: Invitae Variant Classification Sherloc (09022015). Collection method: clinical testing. Allele origin: germline.
Comment: This variant, c.3663_3665del, results in the deletion of 1 amino acid(s) of the APC protein (p.Ser1223del), but otherwise preserves the integrity of the reading frame. This variant is not present in population databases (gnomAD no frequency). This variant has not been reported in the literature in individuals affected with APC-related conditions. ClinVar contains an entry for this variant (Variation ID: 2178732). Experimental studies and prediction algorithms are not available or were not evaluated, and the functional significance of this variant is currently unknown. In summary, the available evidence is currently insufficient to determine the role of this variant in disease. Therefore, it has been classified as a Variant of Uncertain Significance.

Ambry Genetics
Classification: Uncertain significance for Hereditary cancer-predisposing syndrome. Last evaluated: 2025-01-07. Review status: criteria provided, single submitter. Criteria: Ambry Variant Classification Scheme 2023. Collection method: clinical testing. Allele origin: germline.
Comment: The c.3663_3665delTTC variant (also known as p.S1223del) is located in coding exon 15 of the APC gene. This variant results from an in-frame TTC deletion at nucleotide positions 3663 to 3665. This results in the in-frame deletion of a serine at codon 1223. This amino acid position is not well conserved in available vertebrate species. In addition, this alteration is predicted to be neutral by in silico analysis (Choi Y et al. PLoS ONE. 2012; 7(10):e46688). Based on the available evidence, the clinical significance of this variant remains unclear.